The following is an entry in ClinVar:

ClinVar aggregate classification (germline): Uncertain significance (1 of 4 stars; one submission).

Conditions:
Hereditary cancer-predisposing syndrome. Also called: Tumor predisposition; Neoplastic Syndromes, Hereditary; Hereditary Cancer Syndrome; Hereditary neoplastic syndrome. Identifiers: Orphanet 140162, MedGen C0027672, MeSH D009386, MONDO:0015356.

Submission:

Ambry Genetics
Classification: Uncertain significance for Hereditary cancer-predisposing syndrome. Last evaluated: 2021-06-26. Review status: criteria provided, single submitter. Criteria: Ambry Variant Classification Scheme 2023. Collection method: clinical testing. Allele origin: germline.
Comment: The p.L1073W variant (also known as c.3218T>G), located in coding exon 21 of the RAD50 gene, results from a T to G substitution at nucleotide position 3218. The leucine at codon 1073 is replaced by tryptophan, an amino acid with similar properties. This amino acid position is conserved. In addition, this alteration is predicted to be tolerated by in silico analysis. Since supporting evidence is limited at this time, the clinical significance of this alteration remains unclear.

NM_005732.4(RAD50):c.3218T>G (p.Leu1073Trp)

Gene: RAD50 (RAD50 double strand break repair protein; plus strand). Cytogenetic location: 5q31.1.
Variant type: single nucleotide variant.
Coding change: c.3218T>G on transcript NM_005732.4 (MANE Select); coding-DNA position 3218, T replaced by G.
Protein change: p.Leu1073Trp; replaces leucine 1073 with tryptophan.
Molecular consequence: missense variant.
Genome position (GRCh38, 1-based): chr5:132,618,123, T>G. VCF-style: chr5-132618123-T-G. GRCh37 (hg19) VCF-style: chr5-131953815-T-G.
Other names: short protein forms L1073W.
Identifiers: ClinVar variation 1729015 (VCV001729015.2), dbSNP rs2479388337, ClinGen allele CA360964375.